The following is an entry in ClinVar:

NM_002778.4(PSAP):c.226A>G (p.Met76Val)

Gene: PSAP (prosaposin; minus strand). Cytogenetic location: 10q22.1.
Variant type: single nucleotide variant.
Coding change: c.226A>G on transcript NM_002778.4 (MANE Select); coding-DNA position 226, A replaced by G.
Protein change: p.Met76Val; replaces methionine 76 with valine.
Molecular consequence: missense variant.
Genome position (GRCh38, 1-based): chr10:71,831,869, T>C on the plus strand (A>G on the coding strand, the complement: PSAP is on the minus strand). VCF-style: chr10-71831869-T-C. GRCh37 (hg19) VCF-style: chr10-73591626-T-C.
Other names: c.226A>G, p.Met76Val (NM_001042465.3, NM_001042466.3); short protein forms M76V.
Identifiers: ClinVar variation 1479544 (VCV001479544.8), dbSNP rs2133049114, ClinGen allele CA377154918.

ClinVar aggregate classification (germline): Uncertain significance (1 of 4 stars; one submission).

Conditions:
Sphingolipid activator protein 1 deficiency. Also called: Saposin B Deficiency; METACHROMATIC LEUKODYSTROPHY DUE TO CEREBROSIDE SULFATASE ACTIVATOR DEFICIENCY; Metachromatic leukodystrophy due to saposin B deficiency. Identifiers: Orphanet 512, MedGen C0268262, MONDO:0009590, OMIM 249900.

Submission:

Labcorp Genetics (formerly Invitae), Labcorp
Classification: Uncertain significance for Sphingolipid activator protein 1 deficiency. Last evaluated: 2022-07-26. Review status: criteria provided, single submitter. Criteria: Invitae Variant Classification Sherloc (09022015). Collection method: clinical testing. Allele origin: germline.
Comment: Algorithms developed to predict the effect of missense changes on protein structure and function are either unavailable or do not agree on the potential impact of this missense change (SIFT: "Not Available"; PolyPhen-2: "Benign"; Align-GVGD: "Not Available"). ClinVar contains an entry for this variant (Variation ID: 1479544). This variant has not been reported in the literature in individuals affected with PSAP-related conditions. This variant is not present in population databases (gnomAD no frequency). This sequence change replaces methionine with valine at codon 76 of the PSAP protein (p.Met76Val). The methionine residue is weakly conserved and there is a small physicochemical difference between methionine and valine. In summary, the available evidence is currently insufficient to determine the role of this variant in disease. Therefore, it has been classified as a Variant of Uncertain Significance.